The following is an entry in ClinVar:

NM_001105206.3(LAMA4):c.5098A>G (p.Met1700Val)

Gene: LAMA4 (laminin subunit alpha 4; minus strand). Cytogenetic location: 6q21.
Variant type: single nucleotide variant.
Coding change: c.5098A>G on transcript NM_001105206.3 (MANE Select); coding-DNA position 5098, A replaced by G.
Protein change: p.Met1700Val; replaces methionine 1700 with valine.
Molecular consequence: missense variant.
Genome position (GRCh38, 1-based): chr6:112,115,877, T>C on the plus strand (A>G on the coding strand, the complement: LAMA4 is on the minus strand). VCF-style: chr6-112115877-T-C. GRCh37 (hg19) VCF-style: chr6-112437080-T-C.
Other names: c.5077A>G, p.Met1693Val (NM_001105207.3, NM_002290.5); short protein forms M1700V, M1693V.
Identifiers: ClinVar variation 2562624 (VCV002562624.2), dbSNP rs2546967722, ClinGen allele CA365365136.

ClinVar aggregate classification (germline): Uncertain significance (1 of 4 stars; one submission).

Conditions:
Cardiovascular phenotype. Identifiers: MedGen CN230736.

Submission:

Ambry Genetics
Classification: Uncertain significance for Cardiovascular phenotype. Last evaluated: 2023-04-07. Review status: criteria provided, single submitter. Criteria: Ambry Variant Classification Scheme 2023. Collection method: clinical testing. Allele origin: germline.
Comment: The p.M1693V variant (also known as c.5077A>G), located in coding exon 35 of the LAMA4 gene, results from an A to G substitution at nucleotide position 5077. The methionine at codon 1693 is replaced by valine, an amino acid with highly similar properties. This amino acid position is conserved. In addition, the in silico prediction for this alteration is inconclusive. Since supporting evidence is limited at this time, the clinical significance of this alteration remains unclear.